The following is an entry in ClinVar:

NM_001080477.4(TENM3):c.1640-30G>A

Gene: TENM3 (teneurin transmembrane protein 3; plus strand). Cytogenetic location: 4q35.1.
Variant type: single nucleotide variant.
Coding change: c.1640-30G>A on transcript NM_001080477.4 (MANE Select); 30 bases into the intron before coding-DNA position 1640, G replaced by A.
Molecular consequence: intron variant.
Genome position (GRCh38, 1-based): chr4:182,680,513, G>A. VCF-style: chr4-182680513-G-A. GRCh37 (hg19) VCF-style: chr4-183601666-G-A.
Identifiers: ClinVar variation 677227 (VCV000677227.2), dbSNP rs79195097, ClinGen allele CA3147759.

ClinVar aggregate classification (germline): Benign. Review status: criteria provided, multiple submitters, no conflicts (2 of 4 stars). 2 submissions from 2 submitters: Benign (2). Last evaluated 2018-06-19.

Allele frequency attached by ClinVar (database versions not stated): ESP Exome Variant Server 0.07459; TOPMed 0.08243; gnomAD 0.08652 and 0.08859; 1000 Genomes Project 30x 0.09619; 1000 Genomes Project 0.09665; gnomAD exomes 0.10550 and 0.11102; ExAC 0.10708.
gnomAD v4.1: 166,829 of 1,609,032 alleles (10%); highest among the groups gnomAD compares: Admixed American, 14%; 9,385 homozygotes.

Submissions (2):

GeneDx
Classification: Benign. Last evaluated: 2018-06-19. Review status: criteria provided, single submitter. Criteria: GeneDx Variant Classification (06012015). Collection method: clinical testing. Allele origin: germline. Affected: yes.
Comment: This variant is considered likely benign or benign based on one or more of the following criteria: it is a conservative change, it occurs at a poorly conserved position in the protein, it is predicted to be benign by multiple in silico algorithms, and/or has population frequency not consistent with disease.

Breakthrough Genomics
Classification: Benign. Review status: criteria provided, single submitter. Criteria: ACMG Guidelines, 2015. Collection method: not provided. Allele origin: germline. Inheritance: Autosomal recessive inheritance. Affected: yes.